The following is an entry in ClinVar:

ClinVar aggregate classification (germline): Uncertain significance (1 of 4 stars; one submission).

Conditions:
Hereditary spastic paraplegia 47. Also called: CEREBRAL PALSY, SPASTIC QUADRIPLEGIC, 5; Spastic paraplegia 47, autosomal recessive; adaptor protein 4 (AP-4) deficiency syndrome. Identifiers: Orphanet 280763, MedGen C3279738, MONDO:0013551, OMIM 614066.

Allele frequency attached by ClinVar (database versions not stated): gnomAD exomes below 0.00001.
gnomAD v4.1: 1 of 1,614,182 alleles (0.000062%); highest among the groups gnomAD compares: Non-Finnish European, 0.000085%; no homozygotes.

Submission:

Labcorp Genetics (formerly Invitae), Labcorp
Classification: Uncertain significance for Hereditary spastic paraplegia 47. Last evaluated: 2025-09-28. Review status: criteria provided, single submitter. Criteria: Invitae Variant Classification Sherloc (09022015). Collection method: clinical testing. Allele origin: germline.
Comment: This sequence change replaces glutamic acid, which is acidic and polar, with lysine, which is basic and polar, at codon 448 of the AP4B1 protein (p.Glu448Lys). This variant is not present in population databases (gnomAD no frequency). This variant has not been reported in the literature in individuals affected with AP4B1-related conditions. ClinVar contains an entry for this variant (Variation ID: 1469161). Invitae Evidence Modeling of protein sequence and biophysical properties (such as structural, functional, and spatial information, amino acid conservation, physicochemical variation, residue mobility, and thermodynamic stability) indicates that this missense variant is not expected to disrupt AP4B1 protein function with a negative predictive value of 80%. In summary, the available evidence is currently insufficient to determine the role of this variant in disease. Therefore, it has been classified as a Variant of Uncertain Significance.

NM_001253852.3(AP4B1):c.1342G>A (p.Glu448Lys)

Genes: AP4B1 (adaptor related protein complex 4 subunit beta 1; minus strand), AP4B1-AS1 (AP4B1 antisense RNA 1; plus strand). Cytogenetic location: 1p13.2.
Variant type: single nucleotide variant.
Coding change: c.1342G>A on transcript NM_001253852.3 (MANE Select); coding-DNA position 1342, G replaced by A.
Protein change: p.Glu448Lys; replaces glutamic acid 448 with lysine.
Molecular consequence: missense variant.
Genome position (GRCh38, 1-based): chr1:113,896,426, C>T on the plus strand (G>A on the coding strand, the complement: AP4B1 is on the minus strand). VCF-style: chr1-113896426-C-T. GRCh37 (hg19) VCF-style: chr1-114439048-C-T.
Other names: c.1045G>A, p.Glu349Lys (NM_001253853.3); c.838G>A, p.Glu280Lys (NM_001308312.2); c.1342G>A, p.Glu448Lys (NM_006594.5); short protein forms E280K, E349K, E448K.
Identifiers: ClinVar variation 1469161 (VCV001469161.6), dbSNP rs2100998541, ClinGen allele CA341710536.